The following is an entry in ClinVar:

ClinVar aggregate classification (germline): Conflicting classifications of pathogenicity. Review status: criteria provided, conflicting classifications (1 of 4 stars). 3 submissions from 3 submitters: Uncertain significance (2); Likely benign (1). Last evaluated 2025-11-04.

Conditions:
Intellectual disability, autosomal dominant 16 (CSS4). Also called: COFFIN-SIRIS SYNDROME 4. Identifiers: Orphanet 1465, MedGen C3553249, MONDO:0013821, OMIM 614609.
Hereditary cancer-predisposing syndrome. Also called: Neoplastic Syndromes, Hereditary; Tumor predisposition; Hereditary Cancer Syndrome; Hereditary neoplastic syndrome. Identifiers: Orphanet 140162, MedGen C0027672, MeSH D009386, MONDO:0015356.
Rhabdoid tumor predisposition syndrome 2 (RTPS2). Identifiers: Orphanet 231108, Orphanet 69077, MedGen C2750074, MONDO:0013224, OMIM 613325.

Allele frequency attached by ClinVar (database versions not stated): gnomAD exomes 0.00001; gnomAD 0.00002 and 0.00003; TOPMed 0.00002.
gnomAD v4.1: 6 of 1,610,778 alleles (0.00037%); highest among the groups gnomAD compares: Admixed American, 0.0017%; no homozygotes.

Submissions (3):

Labcorp Genetics (formerly Invitae), Labcorp
Classification: Uncertain significance for Rhabdoid tumor predisposition syndrome 2. Last evaluated: 2025-11-04. Review status: criteria provided, single submitter. Criteria: Invitae Variant Classification Sherloc (09022015). Collection method: clinical testing. Allele origin: germline.
Comment: This sequence change replaces valine, which is neutral and non-polar, with alanine, which is neutral and non-polar, at codon 1436 of the SMARCA4 protein (p.Val1436Ala). This variant is present in population databases (no rsID available, gnomAD 0.007%). This variant has not been reported in the literature in individuals affected with SMARCA4-related conditions. ClinVar contains an entry for this variant (Variation ID: 639976). Invitae Evidence Modeling of protein sequence and biophysical properties (such as structural, functional, and spatial information, amino acid conservation, physicochemical variation, residue mobility, and thermodynamic stability) indicates that this missense variant is not expected to disrupt SMARCA4 protein function with a negative predictive value of 80%. In summary, the available evidence is currently insufficient to determine the role of this variant in disease. Therefore, it has been classified as a Variant of Uncertain Significance.

Ambry Genetics
Classification: Likely benign for Hereditary cancer-predisposing syndrome. Last evaluated: 2023-11-15. Review status: criteria provided, single submitter. Criteria: Ambry Variant Classification Scheme 2023. Collection method: clinical testing. Allele origin: germline.

Genome-Nilou Lab
Classification: Uncertain significance for Intellectual disability, autosomal dominant 16. Last evaluated: 2021-07-15. Review status: criteria provided, single submitter. Criteria: ACMG Guidelines, 2015. Collection method: clinical testing. Allele origin: germline. Affected: no.

NM_003072.5(SMARCA4):c.4211T>C (p.Val1404Ala)

Gene: SMARCA4 (SWI/SNF related BAF chromatin remodeling complex subunit ATPase 4; plus strand). Cytogenetic location: 19p13.2.
Variant type: single nucleotide variant.
Coding change: c.4211T>C on transcript NM_003072.5 (MANE Select); coding-DNA position 4211, T replaced by C.
Protein change: p.Val1404Ala; replaces valine 1404 with alanine.
Molecular consequence: missense variant. On other transcripts: non-coding transcript variant (1).
Genome position (GRCh38, 1-based): chr19:11,041,347, T>C. VCF-style: chr19-11041347-T-C. GRCh37 (hg19) VCF-style: chr19-11152023-T-C.
Other names: c.4211T>C, p.Val1404Ala (NM_001128844.3); c.4121T>C, p.Val1374Ala (NM_001128845.2, NM_001128846.2); c.4112T>C, p.Val1371Ala (NM_001128847.4, NM_001128848.2, NM_001374457.1); c.4307T>C, p.Val1436Ala (NM_001128849.3, NM_001387283.1); short protein forms V1374A, V1404A, V1371A, V1436A.
Identifiers: ClinVar variation 639976 (VCV000639976.17), dbSNP rs1240862092, ClinGen allele CA404072907.